The following is an entry in ClinVar:

NM_004316.4(ASCL1):c.138A>T (p.Ala46=)

Genes: ASCL1 (achaete-scute family bHLH transcription factor 1; plus strand), PAH (phenylalanine hydroxylase; minus strand). Cytogenetic location: 12q23.2.
Variant type: single nucleotide variant.
Coding change: c.138A>T on transcript NM_004316.4 (MANE Select); coding-DNA position 138, A replaced by T.
Protein change: p.Ala46=; no amino-acid change (alanine 46 retained).
Molecular consequence: synonymous variant. On other transcripts: 5 prime UTR variant (1).
Genome position (GRCh38, 1-based): chr12:102,958,382, A>T. VCF-style: chr12-102958382-A-T. GRCh37 (hg19) VCF-style: chr12-103352160-A-T.
Other names: c.-283T>A (NM_001354304.2).
Identifiers: ClinVar variation 227178 (VCV000227178.29), dbSNP rs552552603, ClinGen allele CA6749119.
Genomic context (GRCh38, chr12:102,958,382, plus strand): 5'-GCCCGCAGCCTGTTTCTTTGCCACGGCCGCAGCCGCGGCGGCCGCAGCCGCCGCAGCGGC[A>T]GCGCAGAGCGCGCAGCAGCAGCAGCAGCAGCAGCAGCAGCAGCAGCAGGCGCCGCAGCTG-3'
Protein context (NP_004307.2, residues 36-56): AAAAAAAAAA[Ala46=]AQSAQQQQQQ

ClinVar aggregate classification (germline): Likely benign. Review status: criteria provided, multiple submitters, no conflicts (2 of 4 stars). 4 submissions from 4 submitters: Likely benign (4). Last evaluated 2026-04-01.

Allele frequency attached by ClinVar (database versions not stated): ExAC 0.00145; gnomAD exomes 0.00475; TOPMed 0.00505; 1000 Genomes Project 0.00339; 1000 Genomes Project 30x 0.00359; gnomAD 0.00451 and 0.00464.
gnomAD v4.1: 9,115 of 1,470,852 alleles (0.62%); highest among the groups gnomAD compares: Non-Finnish European, 0.73%; 40 homozygotes.

Submissions (4):

CeGaT Center for Human Genetics Tuebingen
Classification: Likely benign. Last evaluated: 2026-04-01. Review status: criteria provided, single submitter. Criteria: CeGaT Center For Human Genetics Tuebingen Variant Classification Criteria Version 2. Collection method: clinical testing. Allele origin: germline. Affected: yes. Observed: 5 variant alleles.
Comment: ASCL1: BP4, BP7, BS2

Blueprint Genetics
Classification: Likely benign. Last evaluated: 2024-11-26. Review status: criteria provided, single submitter. Criteria: ACMG Guidelines, 2015. Collection method: clinical testing. Allele origin: germline.

Laboratory for Molecular Medicine, Mass General Brigham Personalized Medicine
Classification: Likely benign. Last evaluated: 2015-09-02. Review status: criteria provided, single submitter. Criteria: LMM Criteria. Collection method: clinical testing. Allele origin: germline. Observed: 1 variant allele.
Comment: p.Ala46Ala in exon 1 of ASCL1: This variant is not expected to have clinical sig nificance because it does not alter an amino acid residue and is not located wit hin the splice consensus sequence. It has been identified in 0.2% (5/2136) of Eu ropean chromosomes by the Exome Aggregation Consortium (ExAC; dbSNP rs552552603).

Breakthrough Genomics
Classification: Likely benign. Review status: criteria provided, single submitter. Criteria: ACMG Guidelines, 2015. Collection method: not provided. Allele origin: germline. Inheritance: Unknown mechanism. Affected: yes.